The following is an entry in ClinVar:

NM_033305.3(VPS13A):c.237del (p.Glu80fs)

Gene: VPS13A (vacuolar protein sorting 13 homolog A; plus strand). Cytogenetic location: 9q21.2.
Variant type: Deletion.
Coding change: c.237del on transcript NM_033305.3 (MANE Select); coding-DNA position 237, one base deleted (T; older notation c.237delT).
Protein change: p.Glu80fs; shifts the reading frame from glutamic acid 80.
Molecular consequence: frameshift variant.
Genome position (GRCh38, 1-based): chr9:77,205,362, T deleted; the last of 2 consecutive T bases (chr9:77,205,361-77,205,362); deleting either gives the same sequence. VCF-style (leftmost placement, unchanged base first): chr9-77205360-GT-G. GRCh37 (hg19) VCF-style: chr9-79820276-GT-G.
Other names: c.237del, p.Glu80fs (NM_001018037.2, NM_001018038.3, NM_015186.4); short protein forms E80fs.
Identifiers: ClinVar variation 5011671 (VCV005011671.1).

ClinVar aggregate classification (germline): Pathogenic (1 of 4 stars; one submission).

Conditions:
VPS13A-related neurodegenerative disease. Also called: ACANTHOCYTOSIS WITH NEUROLOGIC DISORDER; LEVINE-CRITCHLEY SYNDROME; Choreoacanthocytosis; Chorea-acanthocytosis; Choreaacanthocytosis; VPS13A Disease. Identifiers: Orphanet 2388, MedGen C0393576, MONDO:0008695, OMIM 200150.

Submission:

Myriad Genetics, Inc.
Classification: Pathogenic for VPS13A-related neurodegenerative disease. Last evaluated: 2024-05-14. Review status: criteria provided, single submitter. Criteria: Myriad Autosomal Dominant, Autosomal Recessive and X-Linked Classification Criteria (2023). Collection method: clinical testing. Allele origin: unknown.
Comment: NM_033305.2(VPS13A):c.237delT(E80Kfs*11) is expected to be pathogenic in the context of VPS13A disease. This variant is predicted to lead to an abnormal or absent protein product due to the creation of a premature termination codon in VPS13A, a gene where loss-of-function variants are known to be pathogenic. Please note: this variant was assessed in the context of healthy population screening.